The following is an entry in ClinVar:

ClinVar aggregate classification (germline): Uncertain significance (1 of 4 stars; one submission).

Conditions:
Perlman syndrome (PRLMNS). Identifiers: Orphanet 2849, MedGen C0796113, MONDO:0009965, OMIM 267000.

Allele frequency attached by ClinVar (database versions not stated): gnomAD exomes below 0.00001; TOPMed 0.00001.
gnomAD v4.1: 1 of 1,613,892 alleles (0.000062%); highest among the groups gnomAD compares: Middle Eastern, 0.016%; no homozygotes.

Submission:

Labcorp Genetics (formerly Invitae), Labcorp
Classification: Uncertain significance for Perlman syndrome. Last evaluated: 2022-07-22. Review status: criteria provided, single submitter. Criteria: Invitae Variant Classification Sherloc (09022015). Collection method: clinical testing. Allele origin: germline.
Comment: This variant has not been reported in the literature in individuals affected with DIS3L2-related conditions. This variant is not present in population databases (gnomAD no frequency). This sequence change replaces lysine, which is basic and polar, with arginine, which is basic and polar, at codon 321 of the DIS3L2 protein (p.Lys321Arg). Algorithms developed to predict the effect of missense changes on protein structure and function (SIFT, PolyPhen-2, Align-GVGD) all suggest that this variant is likely to be tolerated. In summary, the available evidence is currently insufficient to determine the role of this variant in disease. Therefore, it has been classified as a Variant of Uncertain Significance.

NM_152383.5(DIS3L2):c.962A>G (p.Lys321Arg)

Gene: DIS3L2 (DIS3 like 3'-5' exoribonuclease 2; plus strand). Cytogenetic location: 2q37.1.
Variant type: single nucleotide variant.
Coding change: c.962A>G on transcript NM_152383.5 (MANE Select); coding-DNA position 962, A replaced by G.
Protein change: p.Lys321Arg; replaces lysine 321 with arginine.
Molecular consequence: missense variant. On other transcripts: non-coding transcript variant (2).
Genome position (GRCh38, 1-based): chr2:232,163,470, A>G. VCF-style: chr2-232163470-A-G. GRCh37 (hg19) VCF-style: chr2-233028180-A-G.
Other names: c.962A>G, p.Lys321Arg (NM_001257281.2); short protein forms K321R.
Identifiers: ClinVar variation 2145017 (VCV002145017.4), dbSNP rs1690713890, ClinGen allele CA351154177.